The following is an entry in ClinVar:

Conditions:
Breast-ovarian cancer, familial, susceptibility to, 1 (BROVCA1). Also called: BRCA1 Hereditary Breast and Ovarian Cancer; OVARIAN CANCER, SUSCEPTIBILITY TO. Identifiers: Orphanet 145, MedGen C2676676, MONDO:0011450, OMIM 604370. Disease mechanism: loss of function.

Submission:

Brotman Baty Institute, University of Washington
No classification provided (evidence only). Condition: Breast-ovarian cancer, familial 1. Review status: no classification provided. Collection method: in vitro. Allele origin: not applicable. Functional consequence: functionally_normal.
ClinVar note: "not provided" was previously submitted as the classification for the variant. However, the classification appeared to be based only on an observation of functional data so it was converted to no classification on 2025-07-30.

NM_007294.4(BRCA1):c.5040T>G (p.Ile1680Met)

Gene: BRCA1 (BRCA1 DNA repair associated; minus strand). Cytogenetic location: 17q21.31.
Variant type: single nucleotide variant.
Coding change: c.5040T>G on transcript NM_007294.4 (MANE Select); coding-DNA position 5040, T replaced by G.
Protein change: p.Ile1680Met; replaces isoleucine 1680 with methionine.
Molecular consequence: missense variant. On other transcripts: non-coding transcript variant (1).
Genome position (GRCh38, 1-based): chr17:43,067,642, A>C on the plus strand (T>G on the coding strand, the complement: BRCA1 is on the minus strand). VCF-style: chr17-43067642-A-C. GRCh37 (hg19) VCF-style: chr17-41219659-A-C.
Other names: c.4827T>G, p.Ile1609Met (NM_001407571.1, NM_001407894.1, NM_001407895.1 and 12 more transcripts); c.5106T>G, p.Ile1702Met (NM_001407581.1, NM_001407582.1); c.5103T>G, p.Ile1701Met (NM_001407583.1, NM_001407585.1, NM_001407587.1 and 1 more transcripts); c.5100T>G, p.Ile1700Met (NM_001407590.1, NM_001407591.1); c.5040T>G, p.Ile1680Met (NM_001407593.1, NM_001407594.1, NM_001407596.1 and 8 more transcripts); c.5037T>G, p.Ile1679Met (NM_001407610.1, NM_001407621.1, NM_001407622.1 and 17 more transcripts); c.5034T>G, p.Ile1678Met (NM_001407627.1, NM_001407628.1, NM_001407629.1 and 14 more transcripts); c.5031T>G, p.Ile1677Met (NM_001407644.1, NM_001407645.1); and 70 more; short protein forms I1633M, I1701M, I1680M, I576M, I1383M, I1384M, I1551M, I1553M.
Identifiers: ClinVar variation 868955 (VCV000868955.3), dbSNP rs2052169752, ClinGen allele CA10591436.